The following is an entry in ClinVar:

ClinVar aggregate classification (germline): Benign/Likely benign. Review status: criteria provided, multiple submitters, no conflicts (2 of 4 stars). 9 submissions from 9 submitters: Benign (2); Likely benign (6). 1 of the submissions does not count toward it. Last evaluated 2026-01-28.

Conditions:
CHRNB2-related disorder. Also called: CHRNB2-related condition.
Familial sleep-related hypermotor epilepsy. Also called: Autosomal Dominant Sleep-Related Hypermotor (Hyperkinetic) Epilepsy. Identifiers: Orphanet 98784, MedGen C3696898, MONDO:0000030.
Inborn genetic diseases. Identifiers: MedGen C0950123, MeSH D030342.
Autosomal dominant nocturnal frontal lobe epilepsy 3. Also called: CHRNB2-Related Nocturnal Frontal Lobe Epilepsy, Autosomal Dominant. Identifiers: Orphanet 98784, MedGen C1854335, MONDO:0011545, OMIM 605375.

Allele frequency attached by ClinVar (database versions not stated): ExAC 0.00037; ESP Exome Variant Server 0.00048; gnomAD 0.00125 and 0.00133; gnomAD exomes 0.00125 and 0.00208; TOPMed 0.00153.
gnomAD v4.1: 3,046 of 1,534,646 alleles (0.2%); highest among the groups gnomAD compares: Non-Finnish European, 0.24%; 4 homozygotes.

Submissions (9):

Labcorp Genetics (formerly Invitae), Labcorp
Classification: Likely benign. Last evaluated: 2026-01-28. Review status: criteria provided, single submitter. Criteria: Invitae Variant Classification Sherloc (09022015). Collection method: clinical testing. Allele origin: germline.

CeGaT Center for Human Genetics Tuebingen
Classification: Likely benign. Last evaluated: 2025-07-01. Review status: criteria provided, single submitter. Criteria: CeGaT Center For Human Genetics Tuebingen Variant Classification Criteria Version 2. Collection method: clinical testing. Allele origin: germline. Affected: yes. Observed: 5 variant alleles.
Comment: CHRNB2: BS1

Blueprint Genetics
Classification: Likely benign. Last evaluated: 2024-10-09. Review status: criteria provided, single submitter. Criteria: ACMG Guidelines, 2015. Collection method: clinical testing. Allele origin: germline.

Athena Diagnostics
Classification: Benign. Last evaluated: 2024-08-14. Review status: criteria provided, single submitter. Criteria: Athena Diagnostics Criteria. Collection method: clinical testing. Allele origin: unknown.

Center for Genomics, Ann and Robert H. Lurie Children's Hospital of Chicago
Classification: Likely benign for Autosomal dominant nocturnal frontal lobe epilepsy 3. Last evaluated: 2022-09-28. Review status: criteria provided, single submitter. Criteria: ACMG Guidelines, 2015. Collection method: clinical testing. Allele origin: germline.
Comment: This variant has not been reported in the literature but is present in the Genome Aggregation Database (Highest reported MAF 0.2% (141/68030). This variant is present in ClinVar, with several labs classifying this variant as Likely Benign or Benign (Variation ID:205060). Evolutionary conservation for this variant is limited or unavailable; computational predictive tools suggest that this variant may not impact the protein. In summary, data on this variant suggests that this variant does not cause disease but requires further evidence. Therefore, this variant is classified as likely benign.

GeneDx
Classification: Benign. Last evaluated: 2019-04-23. Review status: criteria provided, single submitter. Criteria: GeneDx Variant Classification Process June 2021. Collection method: clinical testing. Allele origin: germline. Affected: yes.

Ambry Genetics
Classification: Likely benign for Inborn genetic diseases. Last evaluated: 2018-11-16. Review status: criteria provided, single submitter. Criteria: Ambry Variant Classification Scheme 2023. Collection method: clinical testing. Allele origin: germline.

Institute for Genomic Medicine (IGM) Clinical Laboratory, Nationwide Children's Hospital
Classification: Likely benign. Last evaluated: 2017-10-19. Review status: criteria provided, single submitter. Criteria: ACMG Guidelines, 2015. Collection method: clinical testing. Allele origin: germline.
Comment: BP4, BP6; This alteration is predicted to be tolerated by multiple functional prediction tools, and was reported as a benign/likely benign alteration by a reputable source (ClinVar or other correspondence from a clinical testing laboratory).

PreventionGenetics, part of Exact Sciences
Classification: Likely benign for CHRNB2-related condition. Last evaluated: 2020-09-17. Review status: no assertion criteria provided. Collection method: clinical testing. Allele origin: germline. Not counted in ClinVar's aggregate classification.
Comment: This variant is classified as likely benign based on ACMG/AMP sequence variant interpretation guidelines (Richards et al. 2015 PMID: 25741868, with internal and published modifications).

Literature cited by the submitters: PubMed 20736995 (cited by Athena Diagnostics).

NM_000748.3(CHRNB2):c.1235G>A (p.Gly412Asp)

Gene: CHRNB2 (cholinergic receptor nicotinic beta 2 subunit; plus strand). Cytogenetic location: 1q21.3.
Variant type: single nucleotide variant.
Coding change: c.1235G>A on transcript NM_000748.3 (MANE Select); coding-DNA position 1235, G replaced by A.
Protein change: p.Gly412Asp; replaces glycine 412 with aspartic acid.
Molecular consequence: missense variant.
Genome position (GRCh38, 1-based): chr1:154,572,058, G>A. VCF-style: chr1-154572058-G-A. GRCh37 (hg19) VCF-style: chr1-154544534-G-A.
Other names: p.G412D:GGC>GAC; short protein forms G412D.
Identifiers: ClinVar variation 205060 (VCV000205060.65), dbSNP rs112585933, ClinGen allele CA313637.